The following is an entry in ClinVar:

NM_000400.4(ERCC2):c.195_196delinsTT (p.Glu66Ter)

Gene: ERCC2 (ERCC excision repair 2, TFIIH core complex helicase subunit; minus strand). Cytogenetic location: 19q13.32.
Variant type: Indel.
Coding change: c.195_196delinsTT on transcript NM_000400.4 (MANE Select); coding-DNA positions 195 to 196, GG replaced by TT.
Protein change: p.Glu66Ter; replaces glutamic acid 66 with a stop codon.
Molecular consequence: nonsense.
Genome position (GRCh38, 1-based): chr19:45,368,980-45,368,981, CC replaced by AA on the plus strand (GG replaced by TT on the coding strand, the reverse complement: ERCC2 is on the minus strand). VCF-style: chr19-45368980-CC-AA. GRCh37 (hg19) VCF-style: chr19-45872238-CC-AA.
Other names: c.195_196delGGinsTT, p.Glu66Ter (NM_000400.3); c.123_124delinsTT, p.Glu42Ter (NM_001130867.2); short protein forms E42*, E66*.
Identifiers: ClinVar variation 1705248 (VCV001705248.7), dbSNP rs2514045040, ClinGen allele CA2580097395.

ClinVar aggregate classification (germline): Conflicting classifications of pathogenicity. Review status: criteria provided, conflicting classifications (1 of 4 stars). 5 submissions from 5 submitters: Pathogenic (1); Likely pathogenic (3); Uncertain significance (1). Last evaluated 2026-02-26.

Conditions:
ERCC2-related disorder. Also called: ERCC2-related conditions; ERCC2-related condition; ERCC2-related disorders. Identifiers: MedGen CN239291.
Trichothiodystrophy 1, photosensitive (TTD1). Also called: TAY SYNDROME; TRICHOTHIODYSTROPHY WITH CONGENITAL ICHTHYOSIS; PIBIDS SYNDROME. Identifiers: Orphanet 33364, MedGen C1866504, MONDO:0011125, OMIM 601675.
Cerebrooculofacioskeletal syndrome 2 (COFS2). Identifiers: MedGen C1853102, MONDO:0012553, OMIM 610756.
Xeroderma pigmentosum, group D (XPD). Also called: XERODERMA PIGMENTOSUM IV; XP, GROUP D; XP, GROUP H; XERODERMA PIGMENTOSUM, COMPLEMENTATION GROUP D; ERCC2-Related Xeroderma Pigmentosum. Identifiers: MedGen C0268138, MONDO:0010212, OMIM 278730.
Xeroderma pigmentosum (XP). Identifiers: Orphanet 910, MedGen C0043346, MONDO:0019600.

Submissions (5):

Myriad Genetics, Inc.
Classification: Uncertain significance for ERCC2-related disorder. Last evaluated: 2026-02-26. Review status: criteria provided, single submitter. Criteria: Myriad Autosomal Dominant, Autosomal Recessive and X-Linked Classification Criteria (2023). Collection method: clinical testing. Allele origin: unknown.
Comment: NM_000400.3(ERCC2):c.195_196delGGinsTT(E66*) is an intronic variant classified as a variant of uncertain significance in the context of ERCC2-related disorders. E66* has not been observed in cases with relevant disease. Relevant functional assessments of this variant are not available in the literature. E66* has not been observed in referenced population frequency databases. In summary, there is insufficient evidence to classify NM_000400.3(ERCC2):c.195_196delGGinsTT(E66*) as pathogenic or benign. Please note: this variant was assessed in the context of healthy population screening.

Labcorp Genetics (formerly Invitae), Labcorp
Classification: Pathogenic. Last evaluated: 2025-05-17. Review status: criteria provided, single submitter. Criteria: Invitae Variant Classification Sherloc (09022015). Collection method: clinical testing. Allele origin: germline.
Comment: This sequence change creates a premature translational stop signal (p.Glu66*) in the ERCC2 gene. It is expected to result in an absent or disrupted protein product. Loss-of-function variants in ERCC2 are known to be pathogenic (PMID: 9238033, 11335038, 19085937, 19934020). Information on the frequency of this variant in the gnomAD database is not available, as this variant may be reported differently in the database. This variant has not been reported in the literature in individuals affected with ERCC2-related conditions. ClinVar contains an entry for this variant (Variation ID: 1705248). For these reasons, this variant has been classified as Pathogenic.

Fulgent Genetics
Classification: Likely pathogenic for Xeroderma pigmentosum, group D; Trichothiodystrophy 1, photosensitive; Cerebrooculofacioskeletal syndrome 2. Last evaluated: 2024-06-23. Review status: criteria provided, single submitter. Criteria: ACMG Guidelines, 2015. Collection method: clinical testing. Allele origin: germline.

Baylor Genetics
Classification: Likely pathogenic for Cerebrooculofacioskeletal syndrome 2. Last evaluated: 2023-09-30. Review status: criteria provided, single submitter. Criteria: ACMG Guidelines, 2015. Collection method: clinical testing. Allele origin: unknown.

Women's Health and Genetics/Laboratory Corporation of America, LabCorp
Classification: Likely pathogenic for Xeroderma pigmentosum. Last evaluated: 2022-08-31. Review status: criteria provided, single submitter. Criteria: LabCorp Variant Classification Summary - May 2015. Collection method: clinical testing. Allele origin: germline.
Comment: Variant summary: ERCC2 c.195_196delinsTT (p.Glu66X) results in a premature termination codon, predicted to cause a truncation of the encoded protein or absence of the protein due to nonsense mediated decay, which are commonly known mechanisms for disease. Truncations downstream of this position have been classified as pathogenic by our laboratory. The variant allele was found at a frequency of 4.8e-05 in 251490 control chromosomes. c.195_196delinsTT has been reported in the literature in one individuals affected with uterine corpus endometrial carcinoma. To our knowledge, no experimental evidence demonstrating an impact on protein function has been reported. No clinical diagnostic laboratories have submitted clinical-significance assessments for this variant to ClinVar after 2014. Based on the evidence outlined above, the variant was classified as likely pathogenic.

Literature cited by the submitters: PubMed 9238033 (cited by Labcorp Genetics (formerly Invitae), Labcorp); PubMed 11335038 (cited by Labcorp Genetics (formerly Invitae), Labcorp); PubMed 19085937 (cited by Labcorp Genetics (formerly Invitae), Labcorp); PubMed 19934020 (cited by Labcorp Genetics (formerly Invitae), Labcorp); PubMed 26689913 (cited by Women's Health and Genetics/Laboratory Corporation of America, LabCorp).